The following is an entry in ClinVar:

ClinVar aggregate classification (germline): Conflicting classifications of pathogenicity. Review status: criteria provided, conflicting classifications (1 of 4 stars). 6 submissions from 6 submitters: Uncertain significance (5); Likely benign (1). Last evaluated 2026-09-07.

Conditions:
NPHP4-related disorder. Also called: NPHP4-related disorders; NPHP4-related condition. Identifiers: MedGen CN239384.
Inborn genetic diseases. Identifiers: MedGen C0950123, MeSH D030342.
Nephronophthisis. Also called: Juvenile Nephronophthisis. Identifiers: Orphanet 655, MedGen C0687120, MONDO:0019005, HP:0000090.
Senior-Loken syndrome 4 (SLSN4). Identifiers: Orphanet 3156, MedGen C1846979, MONDO:0011756, OMIM 606996.
Nephronophthisis 4 (NPHP4). Also called: NEPHRONOPHTHISIS 4, JUVENILE. Identifiers: Orphanet 655, MedGen C1847013, MONDO:0011752, OMIM 606966.

Allele frequency attached by ClinVar (database versions not stated): gnomAD 0.00005 and 0.00006; ESP Exome Variant Server 0.00008; TOPMed 0.00011.

Submissions (6):

PreventionGenetics, part of Exact Sciences
Classification: Uncertain significance for NPHP4-related condition. Last evaluated: 2026-09-07. Review status: criteria provided, single submitter. Criteria: ACMG Guidelines, 2015. Collection method: clinical testing. Allele origin: germline.
Comment: The NPHP4 c.3686A>G variant is predicted to result in the amino acid substitution p.Tyr1229Cys. To our knowledge, this variant has not been reported in the literature. This variant is reported in 0.14% of alleles in individuals of East Asian descent in gnomAD. Although we suspect that this variant may be benign, at this time, the clinical significance of this variant is uncertain due to the absence of conclusive functional and genetic evidence.

Ambry Genetics
Classification: Uncertain significance for Inborn genetic diseases. Last evaluated: 2025-11-03. Review status: criteria provided, single submitter. Criteria: Ambry Variant Classification Scheme 2023. Collection method: clinical testing. Allele origin: germline.

Blueprint Genetics
Classification: Likely benign. Last evaluated: 2024-03-07. Review status: criteria provided, single submitter. Criteria: ACMG Guidelines, 2015. Collection method: clinical testing. Allele origin: germline.

Fulgent Genetics
Classification: Uncertain significance for Nephronophthisis 4; Senior-Loken syndrome 4. Last evaluated: 2024-01-16. Review status: criteria provided, single submitter. Criteria: ACMG Guidelines, 2015. Collection method: clinical testing. Allele origin: germline.

Labcorp Genetics (formerly Invitae), Labcorp
Classification: Uncertain significance for Nephronophthisis. Last evaluated: 2024-01-09. Review status: criteria provided, single submitter. Criteria: Invitae Variant Classification Sherloc (09022015). Collection method: clinical testing. Allele origin: germline.
Comment: This sequence change replaces tyrosine, which is neutral and polar, with cysteine, which is neutral and slightly polar, at codon 1229 of the NPHP4 protein (p.Tyr1229Cys). This variant is present in population databases (rs374390513, gnomAD 0.1%). This variant has not been reported in the literature in individuals affected with NPHP4-related conditions. ClinVar contains an entry for this variant (Variation ID: 500573). Advanced modeling of protein sequence and biophysical properties (such as structural, functional, and spatial information, amino acid conservation, physicochemical variation, residue mobility, and thermodynamic stability) performed at Invitae indicates that this missense variant is not expected to disrupt NPHP4 protein function with a negative predictive value of 80%. In summary, the available evidence is currently insufficient to determine the role of this variant in disease. Therefore, it has been classified as a Variant of Uncertain Significance.

Eurofins Ntd Llc (ga)
Classification: Uncertain significance. Last evaluated: 2017-02-22. Review status: criteria provided, single submitter. Criteria: EGL Classification Definitions 2015. Collection method: clinical testing. Allele origin: germline. Observed: 2 variant alleles, 2 heterozygotes.

NM_015102.5(NPHP4):c.3686A>G (p.Tyr1229Cys)

Gene: NPHP4 (nephrocystin 4; minus strand). Cytogenetic location: 1p36.31.
Variant type: single nucleotide variant.
Coding change: c.3686A>G on transcript NM_015102.5 (MANE Select); coding-DNA position 3686, A replaced by G.
Protein change: p.Tyr1229Cys; replaces tyrosine 1229 with cysteine.
Molecular consequence: missense variant. On other transcripts: non-coding transcript variant (1).
Genome position (GRCh38, 1-based): chr1:5,865,232, T>C on the plus strand (A>G on the coding strand, the complement: NPHP4 is on the minus strand). VCF-style: chr1-5865232-T-C. GRCh37 (hg19) VCF-style: chr1-5925292-T-C.
Other names: c.2147A>G, p.Tyr716Cys (NM_001291593.2); c.2150A>G, p.Tyr717Cys (NM_001291594.2); c.3686A>G (NM_015102.3); short protein forms Y1229C, Y717C, Y716C.
Identifiers: ClinVar variation 500573 (VCV000500573.17), dbSNP rs374390513, ClinGen allele CA553498.